The following is an entry in ClinVar:

NM_001278669.2(NFATC1):c.854C>T (p.Pro285Leu)

Gene: NFATC1 (nuclear factor of activated T cells 1; plus strand). Cytogenetic location: 18q23.
Variant type: single nucleotide variant.
Coding change: c.854C>T on transcript NM_001278669.2 (MANE Select); coding-DNA position 854, C replaced by T.
Protein change: p.Pro285Leu; replaces proline 285 with leucine.
Molecular consequence: missense variant. On other transcripts: intron variant (2).
Genome position (GRCh38, 1-based): chr18:79,411,129, C>T. VCF-style: chr18-79411129-C-T. GRCh37 (hg19) VCF-style: chr18-77171129-C-T.
Other names: c.854C>T, p.Pro285Leu (NM_001278670.2, NM_006162.5, NM_172390.3); c.815C>T, p.Pro272Leu (NM_001278672.2, NM_001278675.2, NM_172387.3 and 1 more transcripts); c.-191+14778C>T (NM_172388.3); c.-191+10650C>T (NM_001278673.2); short protein forms P285L, P272L.
Identifiers: ClinVar variation 2490695 (VCV002490695.6), dbSNP rs371345641, ClinGen allele CA9008951.
Genomic context (GRCh38, chr18:79,411,129, plus strand): 5'-AGAGGAAGTACAGCCTCAACGGCCGGCAGCCGCCCTACTCACCCCACCACTCGCCCACGC[C>T]GTCCCCGCACGGCTCCCCGCGGGTCAGCGTGACCGACGACTCGTGGTTGGGCAACACCAC-3'
Protein context (NP_001265598.1, residues 275-295): PPYSPHHSPT[Pro285Leu]SPHGSPRVSV

ClinVar aggregate classification (germline): Uncertain significance. Review status: criteria provided, multiple submitters, no conflicts (2 of 4 stars). 2 submissions from 2 submitters: Uncertain significance (2). Last evaluated 2025-04-01.

Allele frequency attached by ClinVar (database versions not stated): ExAC 0.00003.
gnomAD v4.1: 18 of 1,612,232 alleles (0.0011%); highest among the groups gnomAD compares: East Asian, 0.0067%; no homozygotes.

Submissions (2):

Ambry Genetics
Classification: Uncertain significance. Last evaluated: 2025-04-01. Review status: criteria provided, single submitter. Criteria: Ambry Variant Classification Scheme 2023. Collection method: clinical testing. Allele origin: germline.

Labcorp Genetics (formerly Invitae), Labcorp
Classification: Uncertain significance. Last evaluated: 2024-07-30. Review status: criteria provided, single submitter. Criteria: Invitae Variant Classification Sherloc (09022015). Collection method: clinical testing. Allele origin: germline.
Comment: This sequence change replaces proline, which is neutral and non-polar, with leucine, which is neutral and non-polar, at codon 285 of the NFATC1 protein (p.Pro285Leu). This variant is present in population databases (rs371345641, gnomAD 0.02%). This variant has not been reported in the literature in individuals affected with NFATC1-related conditions. ClinVar contains an entry for this variant (Variation ID: 2490695). An algorithm developed to predict the effect of missense changes on protein structure and function (PolyPhen-2) suggests that this variant is likely to be tolerated. In summary, the available evidence is currently insufficient to determine the role of this variant in disease. Therefore, it has been classified as a Variant of Uncertain Significance.